The following is an entry in ClinVar:

NM_000368.5(TSC1):c.343T>A (p.Ser115Thr)

Gene: TSC1 (TSC complex subunit 1; minus strand). Cytogenetic location: 9q34.13.
Variant type: single nucleotide variant.
Coding change: c.343T>A on transcript NM_000368.5 (MANE Select); coding-DNA position 343, T replaced by A.
Protein change: p.Ser115Thr; replaces serine 115 with threonine.
Molecular consequence: missense variant. On other transcripts: 5 prime UTR variant (1), intron variant (1).
Genome position (GRCh38, 1-based): chr9:132,925,607, A>T on the plus strand (T>A on the coding strand, the complement: TSC1 is on the minus strand). VCF-style: chr9-132925607-A-T. GRCh37 (hg19) VCF-style: chr9-135800994-A-T.
Other names: c.343T>A, p.Ser115Thr (NM_001162426.2); c.-21T>A (NM_001362177.2); c.210+1594T>A (NM_001162427.2); short protein forms S115T.
Identifiers: ClinVar variation 1393005 (VCV001393005.6), dbSNP rs2132230552, ClinGen allele CA375374360.
Genomic context (GRCh38, chr9:132,925,607, plus strand): 5'-TCATAAAACCATTTCATTCAAATCCTTACAAACATCCTACCTTGAGACATTTTAGTAAAG[A>T]AGGCAAAAGAGGTGCTTGAGAGAGCTTATGCTTCCAAGATGGCTGCAGTCTTATGACATG-3'
Protein context (NP_000359.1, residues 105-125): HKLSQAPLLP[Ser115Thr]LLKCLKMDTD

ClinVar aggregate classification (germline): Uncertain significance (1 of 4 stars; one submission).

Conditions:
Tuberous sclerosis 1 (TSC1). Identifiers: Orphanet 805, MedGen C1854465, MONDO:0008612, OMIM 191100.

Submission:

Labcorp Genetics (formerly Invitae), Labcorp
Classification: Uncertain significance for Tuberous sclerosis 1. Last evaluated: 2021-11-13. Review status: criteria provided, single submitter. Criteria: Invitae Variant Classification Sherloc (09022015). Collection method: clinical testing. Allele origin: germline.
Comment: In summary, the available evidence is currently insufficient to determine the role of this variant in disease. Therefore, it has been classified as a Variant of Uncertain Significance. Algorithms developed to predict the effect of missense changes on protein structure and function (SIFT, PolyPhen-2, Align-GVGD) all suggest that this variant is likely to be tolerated. This variant has not been reported in the literature in individuals affected with TSC1-related conditions. This variant is not present in population databases (gnomAD no frequency). This sequence change replaces serine, which is neutral and polar, with threonine, which is neutral and polar, at codon 115 of the TSC1 protein (p.Ser115Thr).